The following is an entry in ClinVar:

NM_000368.5(TSC1):c.2841G>C (p.Arg947Ser)

Gene: TSC1 (TSC complex subunit 1; minus strand). Cytogenetic location: 9q34.13.
Variant type: single nucleotide variant.
Coding change: c.2841G>C on transcript NM_000368.5 (MANE Select); coding-DNA position 2841, G replaced by C.
Protein change: p.Arg947Ser; replaces arginine 947 with serine.
Molecular consequence: missense variant.
Genome position (GRCh38, 1-based): chr9:132,897,318, C>G on the plus strand (G>C on the coding strand, the complement: TSC1 is on the minus strand). VCF-style: chr9-132897318-C-G. GRCh37 (hg19) VCF-style: chr9-135772705-C-G.
Other names: c.2838G>C, p.Arg946Ser (NM_001162426.2); c.2688G>C, p.Arg896Ser (NM_001162427.2); c.2478G>C, p.Arg826Ser (NM_001362177.2); short protein forms R947S, R826S, R896S, R946S.
Identifiers: ClinVar variation 854476 (VCV000854476.10), dbSNP rs1417111404, ClinGen allele CA375368895.
Genomic context (GRCh38, chr9:132,897,318, plus strand): 5'-GCCATATAAATCTAAGATCTCCAATTCAAACACCTGGGTTATCCTTTTCTGAGCCTCATA[C>G]CTGCTCTCTGCGGCCTGCAGCTGTCCTCTGAAAGATACAGACCAGCCAGAATATAGGAAG-3'
Protein context (NP_000359.1, residues 937-957): ARGQLQAAES[Arg947Ser]YEAQKRITQV

ClinVar aggregate classification (germline): Conflicting classifications of pathogenicity. Review status: criteria provided, conflicting classifications (1 of 4 stars). 3 submissions from 3 submitters: Uncertain significance (2); Likely benign (1). Last evaluated 2025-06-02.

Conditions:
Hereditary cancer-predisposing syndrome. Also called: Neoplastic Syndromes, Hereditary; Hereditary Cancer Syndrome; Hereditary neoplastic syndrome; Tumor predisposition. Identifiers: Orphanet 140162, MedGen C0027672, MeSH D009386, MONDO:0015356.
Lymphangiomyomatosis (LAM). Also called: Lymphangioleiomyomatosis, somatic; Lymphangioleiomyomatosis. Identifiers: Orphanet 538, MedGen C0751674, MONDO:0011705, OMIM 606690.
Tuberous sclerosis 1 (TSC1). Identifiers: Orphanet 805, MedGen C1854465, MONDO:0008612, OMIM 191100.
Isolated focal cortical dysplasia type II (FCORD2). Also called: CORTICAL DYSPLASIA OF TAYLOR; Focal cortical dysplasia type II. Identifiers: Orphanet 268994, MedGen C1846385, MONDO:0011818, OMIM 607341, HP:0032051.

Allele frequency attached by ClinVar (database versions not stated): gnomAD exomes below 0.00001.
gnomAD v4.1: 1 of 1,614,202 alleles (0.000062%); highest among the groups gnomAD compares: Non-Finnish European, 0.000085%; no homozygotes.

Submissions (3):

Labcorp Genetics (formerly Invitae), Labcorp
Classification: Likely benign for Tuberous sclerosis 1. Last evaluated: 2025-06-02. Review status: criteria provided, single submitter. Criteria: Invitae Variant Classification Sherloc (09022015). Collection method: clinical testing. Allele origin: germline.

Ambry Genetics
Classification: Uncertain significance for Hereditary cancer-predisposing syndrome. Last evaluated: 2024-01-11. Review status: criteria provided, single submitter. Criteria: Ambry Variant Classification Scheme 2023. Collection method: clinical testing. Allele origin: germline.
Comment: The p.R947S variant (also known as c.2841G>C), located in coding exon 20 of the TSC1 gene, results from a G to C substitution at nucleotide position 2841. The arginine at codon 947 is replaced by serine, an amino acid with dissimilar properties. This amino acid position is highly conserved in available vertebrate species. In addition, the in silico prediction for this alteration is inconclusive. Since supporting evidence is limited at this time, the clinical significance of this alteration remains unclear.

Fulgent Genetics
Classification: Uncertain significance for Tuberous sclerosis 1; Lymphangiomyomatosis; Isolated focal cortical dysplasia type II. Last evaluated: 2022-05-25. Review status: criteria provided, single submitter. Criteria: ACMG Guidelines, 2015. Collection method: clinical testing. Allele origin: unknown.